The following is an entry in ClinVar:

ClinVar aggregate classification (germline): Uncertain significance. Review status: criteria provided, multiple submitters, no conflicts (2 of 4 stars). 4 submissions from 4 submitters: Uncertain significance (4). Last evaluated 2026-09-16.

Conditions:
MYO15A-related disorder. Also called: MYO15A-related condition.

Submissions (4):

PreventionGenetics, part of Exact Sciences
Classification: Uncertain significance for MYO15A-related condition. Last evaluated: 2026-09-16. Review status: criteria provided, single submitter. Criteria: ACMG Guidelines, 2015. Collection method: clinical testing. Allele origin: germline.
Comment: The MYO15A c.3319C>T variant is predicted to result in the amino acid substitution p.Arg1107Cys. To our knowledge, this variant has not been reported in the literature. This variant is reported in 0.0036% of alleles in individuals of European (Non-Finnish) descent in gnomAD. At this time, the clinical significance of this variant is uncertain due to the absence of conclusive functional and genetic evidence.

CeGaT Center for Human Genetics Tuebingen
Classification: Uncertain significance. Last evaluated: 2025-09-01. Review status: criteria provided, single submitter. Criteria: CeGaT Center For Human Genetics Tuebingen Variant Classification Criteria Version 2. Collection method: clinical testing. Allele origin: germline. Affected: yes. Observed: 1 variant allele.
Comment: MYO15A: PM2, BP4

GeneDx
Classification: Uncertain significance. Last evaluated: 2024-01-05. Review status: criteria provided, single submitter. Criteria: GeneDx Variant Classification Process June 2021. Collection method: clinical testing. Allele origin: germline. Affected: yes.
Comment: In silico analysis supports that this missense variant does not alter protein structure/function; Has not been previously published as pathogenic or benign to our knowledge

Blueprint Genetics
Classification: Uncertain significance. Last evaluated: 2023-08-24. Review status: criteria provided, single submitter. Criteria: ACMG Guidelines, 2015. Collection method: clinical testing. Allele origin: germline.

NM_016239.4(MYO15A):c.3319C>T (p.Arg1107Cys)

Gene: MYO15A (myosin XVA; plus strand). Cytogenetic location: 17p11.2.
Variant type: single nucleotide variant.
Coding change: c.3319C>T on transcript NM_016239.4 (MANE Select); coding-DNA position 3319, C replaced by T.
Protein change: p.Arg1107Cys; replaces arginine 1107 with cysteine.
Molecular consequence: missense variant.
Genome position (GRCh38, 1-based): chr17:18,122,119, C>T. VCF-style: chr17-18122119-C-T. GRCh37 (hg19) VCF-style: chr17-18025433-C-T.
Other names: short protein forms R1107C.
Identifiers: ClinVar variation 3367512 (VCV003367512.10).
Genomic context (GRCh38, chr17:18,122,119, plus strand): 5'-GCCGCAGCCCCCTTGGCGCCCATCAGGGCCCCAGAGCCCCTGCCCAAGGGGGGTGAACGG[C>T]GCCAGGCAGCCCCTGGGCGTTTTGCTGTGGTCATGCCTCGTGTGCAGAAGCTGAGCTCTT-3'
Protein context (NP_057323.3, residues 1097-1117): PEPLPKGGER[Arg1107Cys]QAAPGRFAVV